The following is an entry in ClinVar:

ClinVar aggregate classification (germline): Conflicting classifications of pathogenicity. Review status: criteria provided, conflicting classifications (1 of 4 stars). 2 submissions from 2 submitters: Uncertain significance (1); Likely benign (1). Last evaluated 2025-06-15.

Allele frequency attached by ClinVar (database versions not stated): gnomAD exomes below 0.00001; TOPMed 0.00002; gnomAD 0.00001.
gnomAD v4.1: 2 of 1,613,830 alleles (0.00012%); highest among the groups gnomAD compares: Non-Finnish European, 0.00017%; no homozygotes.

Submissions (2):

Labcorp Genetics (formerly Invitae), Labcorp
Classification: Likely benign. Last evaluated: 2025-06-15. Review status: criteria provided, single submitter. Criteria: Invitae Variant Classification Sherloc (09022015). Collection method: clinical testing. Allele origin: germline.

Genetic Services Laboratory, University of Chicago
Classification: Uncertain significance. Last evaluated: 2020-06-18. Review status: criteria provided, single submitter. Criteria: ACMG Guidelines, 2015. Collection method: clinical testing. Allele origin: germline. Affected: no.
Comment: DNA sequence analysis of the CACNA1D gene demonstrated a sequence change in intron 41, c.4983+3G>A. This change does not appear to have been previously described in patients with CACNA1D-related disorders and has been absent from the large population databases (ExAC and gnomAD). This sequence change is not clearly predicted to have a deleterious effect on splicing based on in silico splice prediction programs. It is possible that this sequence change represents a benign sequence change in the CACNA1D gene that has not been identified to date. The functional significance of this sequence change is not known at present and its contribution to this patient's disease phenotype cannot definitively be determined.

NM_001128840.3(CACNA1D):c.507G>A (p.Leu169=)

Gene: CACNA1D (calcium voltage-gated channel subunit alpha1 D; plus strand). Cytogenetic location: 3p21.1.
Variant type: single nucleotide variant.
Coding change: c.507G>A on transcript NM_001128840.3 (MANE Select); coding-DNA position 507, G replaced by A.
Protein change: p.Leu169=; no amino-acid change (leucine 169 retained).
Molecular consequence: synonymous variant.
Genome position (GRCh38, 1-based): chr3:53,650,802, G>A. VCF-style: chr3-53650802-G-A. GRCh37 (hg19) VCF-style: chr3-53684829-G-A.
Other names: c.507G>A, p.Leu169= (NM_000720.4, NM_001128839.3).
Identifiers: ClinVar variation 1337675 (VCV001337675.5), dbSNP rs1042358908, ClinGen allele CA75070660.